The following is an entry in ClinVar:

NM_002471.4(MYH6):c.3956G>A (p.Arg1319Lys)

Gene: MYH6 (myosin heavy chain 6; minus strand). Cytogenetic location: 14q11.2.
Variant type: single nucleotide variant.
Coding change: c.3956G>A on transcript NM_002471.4 (MANE Select); coding-DNA position 3956, G replaced by A.
Protein change: p.Arg1319Lys; replaces arginine 1319 with lysine.
Molecular consequence: missense variant.
Genome position (GRCh38, 1-based): chr14:23,389,415, C>T on the plus strand (G>A on the coding strand, the complement: MYH6 is on the minus strand). VCF-style: chr14-23389415-C-T. GRCh37 (hg19) VCF-style: chr14-23858624-C-T.
Other names: short protein forms R1319K.
Identifiers: ClinVar variation 4860561 (VCV004860561.1).

ClinVar aggregate classification (germline): Uncertain significance (1 of 4 stars; one submission).

Conditions:
Cardiovascular phenotype. Identifiers: MedGen CN230736.

Submission:

Ambry Genetics
Classification: Uncertain significance for Cardiovascular phenotype. Last evaluated: 2026-04-09. Review status: criteria provided, single submitter. Criteria: Ambry Variant Classification Scheme 2023. Collection method: clinical testing. Allele origin: germline.
Comment: The p.R1319K variant (also known as c.3956G>A), located in coding exon 26 of the MYH6 gene, results from a G to A substitution at nucleotide position 3956. The arginine at codon 1319 is replaced by lysine, an amino acid with highly similar properties. This amino acid position is conserved. In addition, the in silico prediction for this alteration is inconclusive. Based on the available evidence, the clinical significance of this variant remains unclear.